The following is an entry in ClinVar:

NM_001253697.2(ERBIN):c.3567A>C (p.Lys1189Asn)

Gene: ERBIN (erbb2 interacting protein; plus strand). Cytogenetic location: 5q12.3.
Variant type: single nucleotide variant.
Coding change: c.3567A>C on transcript NM_001253697.2 (MANE Select); coding-DNA position 3567, A replaced by C.
Protein change: p.Lys1189Asn; replaces lysine 1189 with asparagine.
Molecular consequence: missense variant.
Genome position (GRCh38, 1-based): chr5:66,054,885, A>C. VCF-style: chr5-66054885-A-C. GRCh37 (hg19) VCF-style: chr5-65350713-A-C.
Other names: c.3567A>C, p.Lys1189Asn (NM_001006600.3, NM_001253698.2, NM_001253699.2 and 1 more transcripts); c.3555A>C, p.Lys1185Asn (NM_001253701.2); short protein forms K1189N, K1185N.
Identifiers: ClinVar variation 2083825 (VCV002083825.4), dbSNP rs1759438248, ClinGen allele CA359870109.

ClinVar aggregate classification (germline): Uncertain significance (1 of 4 stars; one submission).

Allele frequency attached by ClinVar (database versions not stated): TOPMed below 0.00001.

Submission:

Labcorp Genetics (formerly Invitae), Labcorp
Classification: Uncertain significance. Last evaluated: 2022-01-15. Review status: criteria provided, single submitter. Criteria: Invitae Variant Classification Sherloc (09022015). Collection method: clinical testing. Allele origin: germline.
Comment: In summary, the available evidence is currently insufficient to determine the role of this variant in disease. Therefore, it has been classified as a Variant of Uncertain Significance. Algorithms developed to predict the effect of missense changes on protein structure and function are either unavailable or do not agree on the potential impact of this missense change (SIFT: "Deleterious"; PolyPhen-2: "Possibly Damaging"; Align-GVGD: "Class C0"). This variant has not been reported in the literature in individuals affected with ERBIN-related conditions. This variant is not present in population databases (gnomAD no frequency). This sequence change replaces lysine, which is basic and polar, with asparagine, which is neutral and polar, at codon 1189 of the ERBIN protein (p.Lys1189Asn).